The following is an entry in ClinVar:

ClinVar aggregate classification (germline): Uncertain significance (1 of 4 stars; one submission).

Conditions:
Hereditary spastic paraplegia. Also called: Familial spastic paraparesis. Identifiers: Orphanet 685, MedGen C0037773, MONDO:0019064. Disease mechanism: loss of function.

Allele frequency attached by ClinVar (database versions not stated): gnomAD exomes 0.00001; ExAC 0.00002; gnomAD 0.00002; TOPMed 0.00002.

Submission:

Labcorp Genetics (formerly Invitae), Labcorp
Classification: Uncertain significance for Hereditary spastic paraplegia. Last evaluated: 2023-01-07. Review status: criteria provided, single submitter. Criteria: Invitae Variant Classification Sherloc (09022015). Collection method: clinical testing. Allele origin: germline.
Comment: This sequence change replaces proline, which is neutral and non-polar, with serine, which is neutral and polar, at codon 405 of the USP8 protein (p.Pro405Ser). This variant is present in population databases (rs776747250, gnomAD 0.003%). This variant has not been reported in the literature in individuals affected with USP8-related conditions. Algorithms developed to predict the effect of missense changes on protein structure and function (SIFT, PolyPhen-2, Align-GVGD) all suggest that this variant is likely to be disruptive. In summary, the available evidence is currently insufficient to determine the role of this variant in disease. Therefore, it has been classified as a Variant of Uncertain Significance.

NM_005154.5(USP8):c.1213C>T (p.Pro405Ser)

Gene: USP8 (ubiquitin specific peptidase 8; plus strand). Cytogenetic location: 15q21.2.
Variant type: single nucleotide variant.
Coding change: c.1213C>T on transcript NM_005154.5 (MANE Select); coding-DNA position 1213, C replaced by T.
Protein change: p.Pro405Ser; replaces proline 405 with serine.
Molecular consequence: missense variant.
Genome position (GRCh38, 1-based): chr15:50,477,494, C>T. VCF-style: chr15-50477494-C-T. GRCh37 (hg19) VCF-style: chr15-50769691-C-T.
Other names: c.1213C>T, p.Pro405Ser (NM_001128610.3); c.982C>T, p.Pro328Ser (NM_001283049.2); short protein forms P328S, P405S.
Identifiers: ClinVar variation 2046621 (VCV002046621.4), dbSNP rs776747250, ClinGen allele CA7555673.